The following is an entry in ClinVar:

NM_014874.4(MFN2):c.*1546G>A

Gene: MFN2 (mitofusin 2; plus strand). Cytogenetic location: 1p36.22.
Variant type: single nucleotide variant.
Coding change: c.*1546G>A on transcript NM_014874.4 (MANE Select); 1546 bases downstream of the stop codon, G replaced by A.
Molecular consequence: 3 prime UTR variant.
Genome position (GRCh38, 1-based): chr1:12,013,111, G>A. VCF-style: chr1-12013111-G-A. GRCh37 (hg19) VCF-style: chr1-12073168-G-A.
Other names: c.*1546G>A (NM_001127660.2).
Identifiers: ClinVar variation 292407 (VCV000292407.5), dbSNP rs3737960, ClinGen allele CA10607594.

ClinVar aggregate classification (germline): Benign. Review status: criteria provided, single submitter (1 of 4 stars). 2 submissions from 1 submitter: Benign (2). Last evaluated 2018-01-13.

Conditions:
Hereditary motor and sensory neuropathy with optic atrophy. Also called: PERIPHERAL NEUROPATHY AND OPTIC ATROPHY; CHARCOT-MARIE-TOOTH DISEASE, TYPE 6. Identifiers: Orphanet 90120, MedGen C0393807, MONDO:0019551.
Charcot-Marie-Tooth disease type 2. Also called: Charcot-Marie-Tooth type 2. Identifiers: Orphanet 64746, MedGen C0270914, MONDO:0018993.

Allele frequency attached by ClinVar (database versions not stated): 1000 Genomes Project 30x 0.00265; gnomAD exomes 0.00110; gnomAD 0.00074 and 0.00094; 1000 Genomes Project 0.00300; TOPMed 0.00102.
gnomAD v4.1: 349 of 342,978 alleles (0.1%); highest among the groups gnomAD compares: East Asian, 1.8%; 8 homozygotes.

Submissions (2):

Illumina Laboratory Services, Illumina
Classification: Benign for Neuropathy, hereditary motor and sensory, type 6A. Last evaluated: 2018-01-13. Review status: criteria provided, single submitter. Criteria: ICSL Variant Classification Criteria 13 December 2019. Collection method: clinical testing. Allele origin: germline.
Comment: This variant was observed in the ICSL laboratory as part of a predisposition screen in an ostensibly healthy population. It had not been previously curated by ICSL or reported in the Human Gene Mutation Database (HGMD: prior to June 1st, 2018), and was therefore a candidate for classification through an automated scoring system. Utilizing variant allele frequency, disease prevalence and penetrance estimates, and inheritance mode, an automated score was calculated to assess if this variant is too frequent to cause the disease. Based on the score and internal cut-off values, a variant classified as benign is not then subjected to further curation. The score for this variant resulted in a classification of benign for this disease.

Illumina Laboratory Services, Illumina
Classification: Benign for Charcot-Marie-Tooth disease, type 2. Last evaluated: 2018-01-13. Review status: criteria provided, single submitter. Criteria: ICSL Variant Classification Criteria 13 December 2019. Collection method: clinical testing. Allele origin: germline.
Comment: the same text as in the submission from Illumina Laboratory Services, Illumina above.